The following is an entry in ClinVar:

NM_001267550.2(TTN):c.11311+1222G>A

Gene: TTN (titin; minus strand). Cytogenetic location: 2q31.2.
Variant type: single nucleotide variant.
Coding change: c.11311+1222G>A on transcript NM_001267550.2 (MANE Select); 1222 bases into the intron after coding-DNA position 11311, G replaced by A.
Molecular consequence: intron variant. On other transcripts: missense variant (1).
Genome position (GRCh38, 1-based): chr2:178,751,902, C>T on the plus strand (G>A on the coding strand, the complement: TTN is on the minus strand). VCF-style: chr2-178751902-C-T. GRCh37 (hg19) VCF-style: chr2-179616629-C-T.
Other names: c.10498G>A, p.Glu3500Lys (NM_133379.5); c.10222+1222G>A (NM_003319.4); c.10798+1222G>A (NM_133437.4); c.10597+1222G>A (NM_133432.3); c.10360+1222G>A (NM_133378.4, NM_001256850.1); short protein forms E3500K.
Identifiers: ClinVar variation 5000145 (VCV005000145.1).

ClinVar aggregate classification (germline): Uncertain significance (1 of 4 stars; one submission).

Conditions:
TTN-related disorder. Also called: TTN-related disorders; TTN-related condition; TTN-related disease.

gnomAD v4.1: 4 of 1,602,708 alleles (0.00025%); highest among the groups gnomAD compares: Non-Finnish European, 0.00034%; no homozygotes.

Submission:

PreventionGenetics, part of Exact Sciences
Classification: Uncertain significance for TTN-related condition. Last evaluated: 2025-07-09. Review status: criteria provided, single submitter. Criteria: ACMG Guidelines, 2015. Collection method: clinical testing. Allele origin: germline.
Comment: The TTN c.11311+1222G>A variant is predicted to interfere with splicing. This variant is also referred to as c.10498G>A (p.Glu3500Lys) in the Novex-3 transcript NM_133379. This variant is located in exon 46 of the Novex-3 transcript (minor small cardiac isoform) which is the last exon of this transcript. This exon is not included in any other TTN transcripts (principle cardiac or skeletal muscle isoforms). To our knowledge, this variant has not been reported in the literature or in a large population database (gnomAD), indicating this variant is rare. At this time, the clinical significance of this variant is uncertain due to the absence of conclusive functional and genetic evidence.